The following is an entry in ClinVar:

NM_014639.4(SKIC3):c.4597A>G (p.Lys1533Glu)

Gene: SKIC3 (SKI3 subunit of superkiller complex; minus strand). Cytogenetic location: 5q15.
Variant type: single nucleotide variant.
Coding change: c.4597A>G on transcript NM_014639.4 (MANE Select); coding-DNA position 4597, A replaced by G.
Protein change: p.Lys1533Glu; replaces lysine 1533 with glutamic acid.
Molecular consequence: missense variant.
Genome position (GRCh38, 1-based): chr5:95,467,889, T>C on the plus strand (A>G on the coding strand, the complement: SKIC3 is on the minus strand). VCF-style: chr5-95467889-T-C. GRCh37 (hg19) VCF-style: chr5-94803593-T-C.
Other names: c.4597A>G (NM_014639.3); short protein forms K1533E.
Identifiers: ClinVar variation 1413566 (VCV001413566.4), dbSNP rs374027697, ClinGen allele CA3346346.
Genomic context (GRCh38, chr5:95,467,889, plus strand): 5'-AATGCCTCAAACATTTTAAATAAAATCAATGCCTTACGTCAATAAGCTCATAGTCATCTT[T>C]GGCATATAAGTGTCTCAGTAGGTACCAACGTGCAGTTGATGCAATAGATTTGGGATACCC-3'
Protein context (NP_055454.1, residues 1523-1543): RWYLLRHLYA[Lys1533Glu]DDYELIDVLV

ClinVar aggregate classification (germline): Uncertain significance. Review status: criteria provided, multiple submitters, no conflicts (2 of 4 stars). 2 submissions from 2 submitters: Uncertain significance (2). Last evaluated 2024-11-10.

Conditions:
Inborn genetic diseases. Identifiers: MedGen C0950123, MeSH D030342.

Allele frequency attached by ClinVar (database versions not stated): gnomAD exomes below 0.00001 and 0.00001; ExAC 0.00001; TOPMed 0.00001; ESP Exome Variant Server 0.00008.
gnomAD v4.1: 22 of 1,613,670 alleles (0.0014%); highest among the groups gnomAD compares: Middle Eastern, 0.033%; no homozygotes.

Submissions (2):

Ambry Genetics
Classification: Uncertain significance for Inborn genetic diseases. Last evaluated: 2024-11-10. Review status: criteria provided, single submitter. Criteria: Ambry Variant Classification Scheme 2023. Collection method: clinical testing. Allele origin: germline.

Labcorp Genetics (formerly Invitae), Labcorp
Classification: Uncertain significance. Last evaluated: 2024-08-21. Review status: criteria provided, single submitter. Criteria: Invitae Variant Classification Sherloc (09022015). Collection method: clinical testing. Allele origin: germline.
Comment: This sequence change replaces lysine, which is basic and polar, with glutamic acid, which is acidic and polar, at codon 1533 of the TTC37 protein (p.Lys1533Glu). This variant is present in population databases (rs374027697, gnomAD 0.002%). This variant has not been reported in the literature in individuals affected with TTC37-related conditions. ClinVar contains an entry for this variant (Variation ID: 1413566). An algorithm developed to predict the effect of missense changes on protein structure and function (PolyPhen-2) suggests that this variant is likely to be disruptive. In summary, the available evidence is currently insufficient to determine the role of this variant in disease. Therefore, it has been classified as a Variant of Uncertain Significance.